The following is an entry in ClinVar:

ClinVar aggregate classification (germline): Uncertain significance (1 of 4 stars; one submission).

Conditions:
Bardet-Biedl syndrome (BBS). Identifiers: Orphanet 110, MedGen C0752166, MONDO:0015229.

Submission:

Labcorp Genetics (formerly Invitae), Labcorp
Classification: Uncertain significance for Bardet-Biedl syndrome. Last evaluated: 2022-03-16. Review status: criteria provided, single submitter. Criteria: Invitae Variant Classification Sherloc (09022015). Collection method: clinical testing. Allele origin: germline.
Comment: In summary, the available evidence is currently insufficient to determine the role of this variant in disease. Therefore, it has been classified as a Variant of Uncertain Significance. Algorithms developed to predict the effect of missense changes on protein structure and function (SIFT, PolyPhen-2, Align-GVGD) all suggest that this variant is likely to be disruptive. This variant has not been reported in the literature in individuals affected with BBS2-related conditions. This variant is not present in population databases (gnomAD no frequency). This sequence change replaces glycine, which is neutral and non-polar, with cysteine, which is neutral and slightly polar, at codon 316 of the BBS2 protein (p.Gly316Cys).

NM_031885.5(BBS2):c.946G>T (p.Gly316Cys)

Gene: BBS2 (Bardet-Biedl syndrome 2; minus strand). Cytogenetic location: 16q13.
Variant type: single nucleotide variant.
Coding change: c.946G>T on transcript NM_031885.5 (MANE Select); coding-DNA position 946, G replaced by T.
Protein change: p.Gly316Cys; replaces glycine 316 with cysteine.
Molecular consequence: missense variant. On other transcripts: non-coding transcript variant (5).
Genome position (GRCh38, 1-based): chr16:56,502,451, C>A on the plus strand (G>T on the coding strand, the complement: BBS2 is on the minus strand). VCF-style: chr16-56502451-C-A. GRCh37 (hg19) VCF-style: chr16-56536363-C-A.
Other names: c.946G>T, p.Gly316Cys (NM_001377456.1); short protein forms G316C.
Identifiers: ClinVar variation 2113006 (VCV002113006.4), dbSNP rs2543712966, ClinGen allele CA395980909.